The following is an entry in ClinVar:

ClinVar aggregate classification (germline): Pathogenic (1 of 4 stars; one submission).

Conditions:
Tuberous sclerosis 2 (TSC2). Identifiers: Orphanet 805, MedGen C1860707, MONDO:0013199, OMIM 613254.

Submission:

Labcorp Genetics (formerly Invitae), Labcorp
Classification: Pathogenic for Tuberous sclerosis 2. Last evaluated: 2021-05-03. Review status: criteria provided, single submitter. Criteria: Invitae Variant Classification Sherloc (09022015). Collection method: clinical testing. Allele origin: germline.
Comment: For these reasons, this variant has been classified as Pathogenic. Advanced modeling of protein sequence and biophysical properties (such as structural, functional, and spatial information, amino acid conservation, physicochemical variation, residue mobility, and thermodynamic stability) performed at Invitae indicates that this missense variant is expected to disrupt TSC2 protein function. This variant has been observed in individual(s) with tuberous sclerosis complex (Invitae). In at least one individual the variant was observed to be de novo. This variant is not present in population databases (ExAC no frequency). This sequence change replaces valine with glycine at codon 1683 of the TSC2 protein (p.Val1683Gly). The valine residue is moderately conserved and there is a moderate physicochemical difference between valine and glycine.

NM_000548.5(TSC2):c.5048T>G (p.Val1683Gly)

Gene: TSC2 (TSC complex subunit 2; plus strand). Cytogenetic location: 16p13.3.
Variant type: single nucleotide variant.
Coding change: c.5048T>G on transcript NM_000548.5 (MANE Select); coding-DNA position 5048, T replaced by G.
Protein change: p.Val1683Gly; replaces valine 1683 with glycine.
Molecular consequence: missense variant.
Genome position (GRCh38, 1-based): chr16:2,087,921, T>G. VCF-style: chr16-2087921-T-G. GRCh37 (hg19) VCF-style: chr16-2137922-T-G.
Other names: c.4847T>G, p.Val1616Gly (NM_001077183.3); c.4979T>G, p.Val1660Gly (NM_001114382.3); c.4739T>G, p.Val1580Gly (NM_001318827.2); c.4703T>G, p.Val1568Gly (NM_001318829.2); c.4316T>G, p.Val1439Gly (NM_001318831.2); c.4880T>G, p.Val1627Gly (NM_001318832.2); c.4850T>G, p.Val1617Gly (NM_001363528.2); c.4916T>G, p.Val1639Gly (NM_001370404.1); and 1 more; short protein forms V1616G, V1439G, V1568G, V1617G, V1660G, V1683G, V1580G, V1627G.
Identifiers: ClinVar variation 1436643 (VCV001436643.8), dbSNP rs2151613782, ClinGen allele CA394311538.
Genomic context (GRCh38, chr16:2,087,921, plus strand): 5'-AGGGCCAGTTCAACTTTGTCCACGTGATCGTCACCCCGCTGGACTACGAGTGCAACCTGG[T>G]GTCCCTGCAGTGCAGGAAAGGTAGGGCCGGGTGGGGCCCTGCAGTGCAGGAAAGGTAGGG-3'
Protein context (NP_000539.2, residues 1673-1693): VTPLDYECNL[Val1683Gly]SLQCRKDMEG